The following is an entry in ClinVar:

ClinVar aggregate classification (germline): Uncertain significance (1 of 4 stars; one submission).

Conditions:
Familial cold autoinflammatory syndrome 2 (FCAS2). Identifiers: Orphanet 247868, MedGen C2673198, MONDO:0012724, OMIM 611762.

gnomAD v4.1: 3 of 1,613,626 alleles (0.00019%); highest among the groups gnomAD compares: South Asian, 0.0033%; no homozygotes.

Submission:

Labcorp Genetics (formerly Invitae), Labcorp
Classification: Uncertain significance for Familial cold autoinflammatory syndrome 2. Last evaluated: 2025-10-26. Review status: criteria provided, single submitter. Criteria: Invitae Variant Classification Sherloc (09022015). Collection method: clinical testing. Allele origin: germline.
Comment: This sequence change replaces leucine, which is neutral and non-polar, with valine, which is neutral and non-polar, at codon 442 of the NLRP12 protein (p.Leu442Val). This variant is not present in population databases (gnomAD no frequency). This variant has not been reported in the literature in individuals affected with NLRP12-related conditions. Invitae Evidence Modeling of protein sequence and biophysical properties (such as structural, functional, and spatial information, amino acid conservation, physicochemical variation, residue mobility, and thermodynamic stability) indicates that this missense variant is not expected to disrupt NLRP12 protein function with a negative predictive value of 80%. In summary, the available evidence is currently insufficient to determine the role of this variant in disease. Therefore, it has been classified as a Variant of Uncertain Significance.

NM_144687.4(NLRP12):c.1324C>G (p.Leu442Val)

Gene: NLRP12 (NLR family pyrin domain containing 12; minus strand). Cytogenetic location: 19q13.42.
Variant type: single nucleotide variant.
Coding change: c.1324C>G on transcript NM_144687.4 (MANE Select); coding-DNA position 1324, C replaced by G.
Protein change: p.Leu442Val; replaces leucine 442 with valine.
Molecular consequence: missense variant.
Genome position (GRCh38, 1-based): chr19:53,810,335, G>C on the plus strand (C>G on the coding strand, the complement: NLRP12 is on the minus strand). VCF-style: chr19-53810335-G-C. GRCh37 (hg19) VCF-style: chr19-54313589-G-C.
Other names: c.1324C>G, p.Leu442Val (NM_001277126.2, NM_001277129.1); short protein forms L442V.
Identifiers: ClinVar variation 4760712 (VCV004760712.1).